The following is an entry in ClinVar:

NM_000361.3(THBD):c.761A>C (p.His254Pro)

Gene: THBD (thrombomodulin; minus strand). Cytogenetic location: 20p11.21.
Variant type: single nucleotide variant.
Coding change: c.761A>C on transcript NM_000361.3 (MANE Select); coding-DNA position 761, A replaced by C.
Protein change: p.His254Pro; replaces histidine 254 with proline.
Molecular consequence: missense variant.
Genome position (GRCh38, 1-based): chr20:23,048,744, T>G on the plus strand (A>C on the coding strand, the complement: THBD is on the minus strand). VCF-style: chr20-23048744-T-G. GRCh37 (hg19) VCF-style: chr20-23029381-T-G.
Other names: short protein forms H254P.
Identifiers: ClinVar variation 2814102 (VCV002814102.3), dbSNP rs1984651988, ClinGen allele CA408406999.

ClinVar aggregate classification (germline): Uncertain significance (1 of 4 stars; one submission).

Allele frequency attached by ClinVar (database versions not stated): gnomAD exomes below 0.00001; TOPMed below 0.00001.

Submission:

Labcorp Genetics (formerly Invitae), Labcorp
Classification: Uncertain significance. Last evaluated: 2023-11-07. Review status: criteria provided, single submitter. Criteria: Invitae Variant Classification Sherloc (09022015). Collection method: clinical testing. Allele origin: germline.
Comment: This sequence change replaces histidine, which is basic and polar, with proline, which is neutral and non-polar, at codon 254 of the THBD protein (p.His254Pro). This variant is not present in population databases (gnomAD no frequency). This variant has not been reported in the literature in individuals affected with THBD-related conditions. Advanced modeling of protein sequence and biophysical properties (such as structural, functional, and spatial information, amino acid conservation, physicochemical variation, residue mobility, and thermodynamic stability) performed at Invitae indicates that this missense variant is expected to disrupt THBD protein function with a positive predictive value of 80%. In summary, the available evidence is currently insufficient to determine the role of this variant in disease. Therefore, it has been classified as a Variant of Uncertain Significance.